The following is an entry in ClinVar:

ClinVar aggregate classification (germline): Uncertain significance (1 of 4 stars; one submission).

Conditions:
Melanoma, cutaneous malignant, susceptibility to, 5. Also called: Cutaneous malignant melanoma 5. Identifiers: Orphanet 618, MedGen C2751295, MONDO:0013133, OMIM 613099.

Allele frequency attached by ClinVar (database versions not stated): TOPMed 0.00002; gnomAD 0.00003; gnomAD exomes 0.00003.

Submission:

Labcorp Genetics (formerly Invitae), Labcorp
Classification: Uncertain significance for Melanoma, cutaneous malignant, susceptibility to, 5. Last evaluated: 2025-02-10. Review status: criteria provided, single submitter. Criteria: Invitae Variant Classification Sherloc (09022015). Collection method: clinical testing. Allele origin: germline.
Comment: This sequence change replaces tyrosine, which is neutral and polar, with histidine, which is basic and polar, at codon 298 of the MC1R protein (p.Tyr298His). This variant is present in population databases (rs772969877, gnomAD 0.04%). This missense change has been observed in individual(s) with melanoma (PMID: 14757863, 24335900, 24982914). ClinVar contains an entry for this variant (Variation ID: 954537). Invitae Evidence Modeling of protein sequence and biophysical properties (such as structural, functional, and spatial information, amino acid conservation, physicochemical variation, residue mobility, and thermodynamic stability) indicates that this missense variant is expected to disrupt MC1R protein function with a positive predictive value of 80%. In summary, the available evidence is currently insufficient to determine the role of this variant in disease. Therefore, it has been classified as a Variant of Uncertain Significance.

Literature cited by the submitters: PubMed 14757863; PubMed 24335900; PubMed 24982914.

NM_002386.4(MC1R):c.892T>C (p.Tyr298His)

Gene: MC1R (melanocortin 1 receptor; plus strand). Cytogenetic location: 16q24.3.
Variant type: single nucleotide variant.
Coding change: c.892T>C on transcript NM_002386.4 (MANE Select); coding-DNA position 892, T replaced by C.
Protein change: p.Tyr298His; replaces tyrosine 298 with histidine.
Molecular consequence: missense variant.
Genome position (GRCh38, 1-based): chr16:89,920,150, T>C. VCF-style: chr16-89920150-T-C. GRCh37 (hg19) VCF-style: chr16-89986558-T-C.
Other names: short protein forms Y298H.
Identifiers: ClinVar variation 954537 (VCV000954537.7), dbSNP rs772969877, ClinGen allele CA8255796.